The following is an entry in ClinVar:

ClinVar aggregate classification (germline): Conflicting classifications of pathogenicity. Review status: criteria provided, conflicting classifications (1 of 4 stars). 5 submissions from 5 submitters: Uncertain significance (1); Likely benign (4). Last evaluated 2026-09-01.

Conditions:
Glycogen storage disease due to muscle and heart glycogen synthase deficiency. Also called: MUSCLE GLYCOGEN SYNTHASE DEFICIENCY; GSD 0b. Identifiers: Orphanet 137625, MedGen C1969054, MONDO:0012693, OMIM 611556.

Allele frequency attached by ClinVar (database versions not stated): gnomAD 0.00009; gnomAD exomes 0.00012 and 0.00015; TOPMed 0.00014; ExAC 0.00015; ESP Exome Variant Server 0.00038.
gnomAD v4.1: 231 of 1,612,142 alleles (0.014%); highest among the groups gnomAD compares: Non-Finnish European, 0.018%; no homozygotes.

Submissions (5):

CeGaT Center for Human Genetics Tuebingen
Classification: Likely benign. Last evaluated: 2026-09-01. Review status: criteria provided, single submitter. Criteria: CeGaT Center For Human Genetics Tuebingen Variant Classification Criteria Version 2. Collection method: clinical testing. Allele origin: germline. Affected: yes. Observed: 1 variant allele.
Comment: GYS1: BP4, BP7

Labcorp Genetics (formerly Invitae), Labcorp
Classification: Likely benign for Glycogen storage disease due to muscle and heart glycogen synthase deficiency. Last evaluated: 2025-11-16. Review status: criteria provided, single submitter. Criteria: Invitae Variant Classification Sherloc (09022015). Collection method: clinical testing. Allele origin: germline.

Mayo Clinic Laboratories, Mayo Clinic
Classification: Likely benign. Last evaluated: 2025-10-14. Review status: criteria provided, single submitter. Criteria: ACMG Guidelines, 2015. Collection method: clinical testing. Allele origin: germline. Observed: 1 variant allele.
Comment: BP4, BP7, PM2_supporting

Illumina Laboratory Services, Illumina
Classification: Uncertain significance for Glycogen storage disease due to muscle and heart glycogen synthase deficiency. Last evaluated: 2018-01-13. Review status: criteria provided, single submitter. Criteria: ICSL Variant Classification Criteria 13 December 2019. Collection method: clinical testing. Allele origin: germline.

GeneDx
Classification: Likely benign. Last evaluated: 2017-12-08. Review status: criteria provided, single submitter. Criteria: GeneDx Variant Classification (06012015). Collection method: clinical testing. Allele origin: germline. Affected: yes.
Comment: This variant is considered likely benign or benign based on one or more of the following criteria: it is a conservative change, it occurs at a poorly conserved position in the protein, it is predicted to be benign by multiple in silico algorithms, and/or has population frequency not consistent with disease.

NM_002103.5(GYS1):c.1305G>A (p.Thr435=)

Gene: GYS1 (glycogen synthase 1; minus strand). Cytogenetic location: 19q13.33.
Variant type: single nucleotide variant.
Coding change: c.1305G>A on transcript NM_002103.5 (MANE Select); coding-DNA position 1305, G replaced by A.
Protein change: p.Thr435=; no amino-acid change (threonine 435 retained).
Molecular consequence: synonymous variant. On other transcripts: non-coding transcript variant (1).
Genome position (GRCh38, 1-based): chr19:48,977,927, C>T on the plus strand (G>A on the coding strand, the complement: GYS1 is on the minus strand). VCF-style: chr19-48977927-C-T. GRCh37 (hg19) VCF-style: chr19-49481184-C-T.
Other names: p.Thr435=; c.1113G>A, p.Thr371= (NM_001161587.2).
Identifiers: ClinVar variation 329813 (VCV000329813.16), dbSNP rs147610727, ClinGen allele CA9563011.